The following is an entry in ClinVar:

NM_004525.3(LRP2):c.4562G>A (p.Arg1521His)

Gene: LRP2 (LDL receptor related protein 2; minus strand). Cytogenetic location: 2q31.1.
Variant type: single nucleotide variant.
Coding change: c.4562G>A on transcript NM_004525.3 (MANE Select); coding-DNA position 4562, G replaced by A.
Protein change: p.Arg1521His; replaces arginine 1521 with histidine.
Molecular consequence: missense variant.
Genome position (GRCh38, 1-based): chr2:169,237,232, C>T on the plus strand (G>A on the coding strand, the complement: LRP2 is on the minus strand). VCF-style: chr2-169237232-C-T. GRCh37 (hg19) VCF-style: chr2-170093742-C-T.
Other names: short protein forms R1521H.
Identifiers: ClinVar variation 1393837 (VCV001393837.5), dbSNP rs200469773, ClinGen allele CA1954772.

ClinVar aggregate classification (germline): Uncertain significance (1 of 4 stars; one submission).

Allele frequency attached by ClinVar (database versions not stated): TOPMed 0.00003; gnomAD 0.00004 and 0.00005; gnomAD exomes 0.00004 and 0.00009; ExAC 0.00005; ESP Exome Variant Server 0.00008; 1000 Genomes Project 30x 0.00016; 1000 Genomes Project 0.00020.
gnomAD v4.1: 141 of 1,613,690 alleles (0.0087%); highest among the groups gnomAD compares: Non-Finnish European, 0.011%; no homozygotes.

Submission:

Labcorp Genetics (formerly Invitae), Labcorp
Classification: Uncertain significance. Last evaluated: 2021-09-24. Review status: criteria provided, single submitter. Criteria: Invitae Variant Classification Sherloc (09022015). Collection method: clinical testing. Allele origin: germline.
Comment: This sequence change replaces arginine with histidine at codon 1521 of the LRP2 protein (p.Arg1521His). The arginine residue is highly conserved and there is a small physicochemical difference between arginine and histidine. This variant is present in population databases (rs200469773, ExAC 0.02%). This variant has not been reported in the literature in individuals with LRP2-related conditions. Advanced modeling of protein sequence and biophysical properties (such as structural, functional, and spatial information, amino acid conservation, physicochemical variation, residue mobility, and thermodynamic stability) performed at Invitae indicates that this missense variant is expected to disrupt LRP2 protein function. In summary, the available evidence is currently insufficient to determine the role of this variant in disease. Therefore, it has been classified as a Variant of Uncertain Significance.